The following is an entry in ClinVar:

NM_018192.4(P3H2):c.1804T>C (p.Phe602Leu)

Gene: P3H2 (prolyl 3-hydroxylase 2; minus strand). Cytogenetic location: 3q28.
Variant type: single nucleotide variant.
Coding change: c.1804T>C on transcript NM_018192.4 (MANE Select); coding-DNA position 1804, T replaced by C.
Protein change: p.Phe602Leu; replaces phenylalanine 602 with leucine.
Molecular consequence: missense variant.
Genome position (GRCh38, 1-based): chr3:189,971,903, A>G on the plus strand (T>C on the coding strand, the complement: P3H2 is on the minus strand). VCF-style: chr3-189971903-A-G. GRCh37 (hg19) VCF-style: chr3-189689692-A-G.
Other names: c.1261T>C, p.Phe421Leu (NM_001134418.2); c.1804T>C (NM_018192.3); short protein forms F421L, F602L.
Identifiers: ClinVar variation 1909893 (VCV001909893.5), dbSNP rs34620268, ClinGen allele CA89720520.

ClinVar aggregate classification (germline): Uncertain significance. Review status: criteria provided, multiple submitters, no conflicts (2 of 4 stars). 2 submissions from 2 submitters: Uncertain significance (2). Last evaluated 2024-10-25.

Conditions:
Inborn genetic diseases. Identifiers: MedGen C0950123, MeSH D030342.

Allele frequency attached by ClinVar (database versions not stated): gnomAD 0.00001.
gnomAD v4.1: 12 of 1,602,526 alleles (0.00075%); highest among the groups gnomAD compares: Non-Finnish European, 0.00086%; no homozygotes.

Submissions (2):

Ambry Genetics
Classification: Uncertain significance for Inborn genetic diseases. Last evaluated: 2024-10-25. Review status: criteria provided, single submitter. Criteria: Ambry Variant Classification Scheme 2023. Collection method: clinical testing. Allele origin: germline.

Labcorp Genetics (formerly Invitae), Labcorp
Classification: Uncertain significance. Last evaluated: 2022-02-25. Review status: criteria provided, single submitter. Criteria: Invitae Variant Classification Sherloc (09022015). Collection method: clinical testing. Allele origin: germline.
Comment: In summary, the available evidence is currently insufficient to determine the role of this variant in disease. Therefore, it has been classified as a Variant of Uncertain Significance. This sequence change replaces phenylalanine, which is neutral and non-polar, with leucine, which is neutral and non-polar, at codon 602 of the P3H2 protein (p.Phe602Leu). This variant is present in population databases (rs34620268, gnomAD 0.002%). This variant has not been reported in the literature in individuals affected with P3H2-related conditions. Algorithms developed to predict the effect of missense changes on protein structure and function are either unavailable or do not agree on the potential impact of this missense change (SIFT: "Deleterious"; PolyPhen-2: "Benign"; Align-GVGD: "Class C0").